The following is an entry in ClinVar:

ClinVar aggregate classification (germline): Pathogenic. Review status: criteria provided, multiple submitters, no conflicts (2 of 4 stars). 5 submissions from 5 submitters: Pathogenic (5). Last evaluated 2025-08-26.

Conditions:
Hereditary nonpolyposis colorectal neoplasms. Identifiers: MedGen C0009405, MeSH D003123.
Lynch syndrome 4 (LYNCH4). Also called: Hereditary non-polyposis colorectal cancer, type 4; Colorectal cancer, hereditary nonpolyposis, type 4. Identifiers: Orphanet 144, MedGen C1838333, MONDO:0013699, OMIM 614337. Disease mechanism: loss of function.
Mismatch repair cancer syndrome 4. Identifiers: MedGen C5436817, MONDO:0030843, OMIM 619101.
Hereditary cancer-predisposing syndrome. Also called: Hereditary neoplastic syndrome; Tumor predisposition; Neoplastic Syndromes, Hereditary; Hereditary Cancer Syndrome. Identifiers: Orphanet 140162, MedGen C0027672, MeSH D009386, MONDO:0015356.

Submissions (5):

GeneDx
Classification: Pathogenic. Last evaluated: 2025-08-26. Review status: criteria provided, single submitter. Criteria: GeneDx Variant Classification Process June 2021. Collection method: clinical testing. Allele origin: germline. Affected: yes.
Comment: Frameshift variant predicted to result in protein truncation or nonsense mediated decay in a gene for which loss of function is a known mechanism of disease; Truncating variants in this gene are considered pathogenic by a well-established clinical consortium and/or database; Not observed at significant frequency in large population cohorts (gnomAD); This variant is associated with the following publications: (PMID: 25856668, 25430799, 26544533, 21376568, 39546165, 24362816, 38201524)

Ambry Genetics
Classification: Pathogenic for Hereditary cancer-predisposing syndrome. Last evaluated: 2025-06-02. Review status: criteria provided, single submitter. Criteria: Ambry Variant Classification Scheme 2023. Collection method: clinical testing. Allele origin: germline.
Comment: The c.1970dupA pathogenic variant, located in coding exon 11 of the PMS2 gene, results from a duplication of A at nucleotide position 1970, causing a translational frameshift with a predicted alternate stop codon (p.N657Kfs*7). This variant is considered to be rare based on population cohorts in the Genome Aggregation Database (gnomAD). In addition to the clinical data presented in the literature, this alteration is expected to result in loss of function by premature protein truncation or nonsense-mediated mRNA decay. As such, this alteration is interpreted as a disease-causing mutation.

Labcorp Genetics (formerly Invitae), Labcorp
Classification: Pathogenic for Hereditary nonpolyposis colorectal neoplasms. Last evaluated: 2025-05-19. Review status: criteria provided, single submitter. Criteria: Invitae Variant Classification Sherloc (09022015). Collection method: clinical testing. Allele origin: germline.
Comment: This sequence change creates a premature translational stop signal (p.Asn657Lysfs*7) in the PMS2 gene. It is expected to result in an absent or disrupted protein product. Loss-of-function variants in PMS2 are known to be pathogenic (PMID: 21376568, 24362816). This variant is not present in population databases (gnomAD no frequency). This premature translational stop signal has been observed in individual(s) with Lynch syndrome (PMID: 25430799). It is commonly reported in individuals of Iranian Jewish ancestry (PMID: 25430799). ClinVar contains an entry for this variant (Variation ID: 420579). For these reasons, this variant has been classified as Pathogenic.

Fulgent Genetics
Classification: Pathogenic for Lynch syndrome 4; Mismatch repair cancer syndrome 4. Last evaluated: 2024-03-09. Review status: criteria provided, single submitter. Criteria: ACMG Guidelines, 2015. Collection method: clinical testing. Allele origin: germline.

Myriad Genetics, Inc.
Classification: Pathogenic for Lynch syndrome 4. Last evaluated: 2023-09-21. Review status: criteria provided, single submitter. Criteria: Myriad Autosomal Dominant, Autosomal Recessive and X-Linked Classification Criteria (2023). Collection method: clinical testing. Allele origin: unknown.
Comment: This variant is considered pathogenic. This variant creates a frameshift predicted to result in premature protein truncation.

Literature cited by the submitters: PubMed 25430799 (cited by Ambry Genetics and Labcorp Genetics (formerly Invitae), Labcorp); PubMed 25856668 (cited by Ambry Genetics); PubMed 21376568 (cited by Labcorp Genetics (formerly Invitae), Labcorp); PubMed 24362816 (cited by Labcorp Genetics (formerly Invitae), Labcorp).

NM_000535.7(PMS2):c.1970dup (p.Asn657fs)

Gene: PMS2 (PMS1 homolog 2, mismatch repair system component; minus strand). Cytogenetic location: 7p22.1.
Variant type: Duplication.
Coding change: c.1970dup on transcript NM_000535.7 (MANE Select); coding-DNA position 1970, one base duplicated (A; older notation c.1970dupA).
Protein change: p.Asn657fs; shifts the reading frame from asparagine 657.
Molecular consequence: frameshift variant. On other transcripts: non-coding transcript variant (1).
Genome position (GRCh38, 1-based): chr7:5,986,795, T duplicated on the plus strand (A on the coding strand, the reverse complement: PMS2 is on the minus strand); the first of 4 consecutive T bases (chr7:5,986,795-5,986,798); duplicating any one gives the same sequence. VCF-style (leftmost placement, unchanged base first): chr7-5986794-A-AT. GRCh37 (hg19) VCF-style: chr7-6026425-A-AT.
Other names: c.1565dup, p.Asn522fs (NM_001322003.2, NM_001322004.2, NM_001322005.2 and 1 more transcripts); c.1814dup, p.Asn605fs (NM_001322006.2); c.1652dup, p.Asn551fs (NM_001322007.2, NM_001322008.2); c.1409dup, p.Asn470fs (NM_001322010.2); c.1037dup, p.Asn346fs (NM_001322011.2, NM_001322012.2); c.1397dup, p.Asn466fs (NM_001322013.2); c.1970dup, p.Asn657fs (NM_001322014.2); c.1661dup, p.Asn554fs (NM_001322015.2); and 1 more; short protein forms N657fs, N470fs, N554fs, N605fs, N346fs, N466fs, N522fs, N551fs.
Identifiers: ClinVar variation 420579 (VCV000420579.22), dbSNP rs1064794566, ClinGen allele CA16618495.